The following is an entry in ClinVar:

NM_001875.5(CPS1):c.2260G>A (p.Val754Ile)

Gene: CPS1 (carbamoyl-phosphate synthase 1; plus strand). Cytogenetic location: 2q34.
Variant type: single nucleotide variant.
Coding change: c.2260G>A on transcript NM_001875.5 (MANE Select); coding-DNA position 2260, G replaced by A.
Protein change: p.Val754Ile; replaces valine 754 with isoleucine.
Molecular consequence: missense variant. On other transcripts: non-coding transcript variant (2).
Genome position (GRCh38, 1-based): chr2:210,608,428, G>A. VCF-style: chr2-210608428-G-A. GRCh37 (hg19) VCF-style: chr2-211473152-G-A.
Other names: c.2260G>A, p.Val754Ile (NM_001122633.3, NM_001369257.1); c.2293G>A, p.Val765Ile (NM_001369256.1); short protein forms V754I, V765I.
Identifiers: ClinVar variation 2414406 (VCV002414406.4), dbSNP rs769891928, ClinGen allele CA2086595.

ClinVar aggregate classification (germline): Uncertain significance. Review status: criteria provided, multiple submitters, no conflicts (2 of 4 stars). 2 submissions from 2 submitters: Uncertain significance (2). Last evaluated 2025-04-30.

Conditions:
Inborn genetic diseases. Identifiers: MedGen C0950123, MeSH D030342.
Congenital hyperammonemia, type I. Also called: Carbamoyl phosphate synthetase I deficiency disease; CPS I DEFICIENCY; Carbamoyl phosphate synthetase 1 deficiency; Hyperammonemia due to carbamoyl phosphate synthetase 1 deficiency; CPS 1 deficiency; Carbamyl phosphate synthetase (CPS) deficiency. Identifiers: Orphanet 147, MedGen C4082171, MONDO:0009376, OMIM 237300.

Allele frequency attached by ClinVar (database versions not stated): ExAC 0.00002.
gnomAD v4.1: 13 of 1,612,428 alleles (0.00081%); highest among the groups gnomAD compares: South Asian, 0.0011%; no homozygotes.

Submissions (2):

Ambry Genetics
Classification: Uncertain significance for Inborn genetic diseases. Last evaluated: 2025-04-30. Review status: criteria provided, single submitter. Criteria: Ambry Variant Classification Scheme 2023. Collection method: clinical testing. Allele origin: germline.

Labcorp Genetics (formerly Invitae), Labcorp
Classification: Uncertain significance for Congenital hyperammonemia, type I. Last evaluated: 2022-07-01. Review status: criteria provided, single submitter. Criteria: Invitae Variant Classification Sherloc (09022015). Collection method: clinical testing. Allele origin: germline.
Comment: This sequence change replaces valine, which is neutral and non-polar, with isoleucine, which is neutral and non-polar, at codon 754 of the CPS1 protein (p.Val754Ile). This variant is present in population databases (rs769891928, gnomAD 0.002%). This variant has not been reported in the literature in individuals affected with CPS1-related conditions. Algorithms developed to predict the effect of missense changes on protein structure and function (SIFT, PolyPhen-2, Align-GVGD) all suggest that this variant is likely to be tolerated. In summary, the available evidence is currently insufficient to determine the role of this variant in disease. Therefore, it has been classified as a Variant of Uncertain Significance.